The following is an entry in ClinVar:

NM_020066.5(FMN2):c.2442A>G (p.Pro814=)

Gene: FMN2 (formin 2; plus strand). Cytogenetic location: 1q43.
Variant type: single nucleotide variant.
Coding change: c.2442A>G on transcript NM_020066.5 (MANE Select); coding-DNA position 2442, A replaced by G.
Protein change: p.Pro814=; no amino-acid change (proline 814 retained).
Molecular consequence: synonymous variant. On other transcripts: intron variant (1).
Genome position (GRCh38, 1-based): chr1:240,207,254, A>G. VCF-style: chr1-240207254-A-G. GRCh37 (hg19) VCF-style: chr1-240370554-A-G.
Other names: c.2454A>G, p.Pro818= (NM_001305424.2); c.1986+18992A>G (NM_001348094.2).
Identifiers: ClinVar variation 3035937 (VCV003035937.1), dbSNP rs779368841, ClinGen allele CA1476629.

ClinVar aggregate classification (germline): Likely benign (1 of 4 stars; one submission).

Conditions:
FMN2-related disorder. Also called: FMN2-related condition.

Allele frequency attached by ClinVar (database versions not stated): gnomAD 0.00001; gnomAD exomes 0.00002; TOPMed 0.00002; ExAC 0.00003.
gnomAD v4.1: 13 of 1,613,706 alleles (0.00081%); highest among the groups gnomAD compares: Admixed American, 0.022%; no homozygotes.

Submission:

PreventionGenetics, part of Exact Sciences
Classification: Likely benign for FMN2-related condition. Last evaluated: 2021-02-22. Review status: criteria provided, single submitter. Criteria: ACMG Guidelines, 2015. Collection method: clinical testing. Allele origin: germline.
Comment: This variant is classified as likely benign based on ACMG/AMP sequence variant interpretation guidelines (Richards et al. 2015 PMID: 25741868, with internal and published modifications).